The following is an entry in ClinVar:

ClinVar aggregate classification (germline): Uncertain significance (1 of 4 stars; one submission).

Submission:

GeneDx
Classification: Uncertain significance. Last evaluated: 2024-07-22. Review status: criteria provided, single submitter. Criteria: GeneDx Variant Classification Process June 2021. Collection method: clinical testing. Allele origin: germline. Affected: yes.
Comment: Not observed at significant frequency in large population cohorts (gnomAD); In silico analysis supports that this missense variant has a deleterious effect on protein structure/function; Has not been previously published as pathogenic or benign to our knowledge

NM_003076.5(SMARCD1):c.485T>C (p.Met162Thr)

Gene: SMARCD1 (SWI/SNF related BAF chromatin remodeling complex subunit D1; plus strand). Cytogenetic location: 12q13.12.
Variant type: single nucleotide variant.
Coding change: c.485T>C on transcript NM_003076.5 (MANE Select); coding-DNA position 485, T replaced by C.
Protein change: p.Met162Thr; replaces methionine 162 with threonine.
Molecular consequence: missense variant.
Genome position (GRCh38, 1-based): chr12:50,086,832, T>C. VCF-style: chr12-50086832-T-C. GRCh37 (hg19) VCF-style: chr12-50480615-T-C.
Other names: c.485T>C, p.Met162Thr (NM_139071.3); short protein forms M162T.
Identifiers: ClinVar variation 3600702 (VCV003600702.1).
Genomic context (GRCh38, chr12:50,086,832, plus strand): 5'-CAGAATCCCAGGCCTATATGGATCTCTTGGCTTTTGAAAGGAAACTGGACCAGACTATCA[T>C]GAGGAAACGGCTAGATATCCAAGAGGCCTTGAAACGTCCCATCAAGGTAACACAGGAAAG-3'
Protein context (NP_003067.3, residues 152-172): AFERKLDQTI[Met162Thr]RKRLDIQEAL